The following is an entry in ClinVar:

ClinVar aggregate classification (germline): Likely pathogenic (1 of 4 stars; one submission).

Conditions:
Kleefstra syndrome 1 (KLEFS1). Identifiers: Orphanet 261494, MedGen C0795833, MONDO:0027407, OMIM 610253.

Allele frequency attached by ClinVar (database versions not stated): gnomAD exomes below 0.00001; ExAC 0.00001.
gnomAD v4.1: 1 of 1,613,924 alleles (0.000062%); highest among the groups gnomAD compares: East Asian, 0.0022%; no homozygotes.

Submission:

Labcorp Genetics (formerly Invitae), Labcorp
Classification: Likely pathogenic for Kleefstra syndrome 1. Last evaluated: 2022-04-23. Review status: criteria provided, single submitter. Criteria: Invitae Variant Classification Sherloc (09022015). Collection method: clinical testing. Allele origin: germline.
Comment: In summary, the currently available evidence indicates that the variant is pathogenic, but additional data are needed to prove that conclusively. Therefore, this variant has been classified as Likely Pathogenic. Algorithms developed to predict the effect of sequence changes on RNA splicing suggest that this variant may disrupt the consensus splice site. This variant has not been reported in the literature in individuals affected with EHMT1-related conditions. This variant is present in population databases (rs761775030, gnomAD 0.006%). This sequence change affects a donor splice site in intron 6 of the EHMT1 gene. It is expected to disrupt RNA splicing. Variants that disrupt the donor or acceptor splice site typically lead to a loss of protein function (PMID: 16199547), and loss-of-function variants in EHMT1 are known to be pathogenic (PMID: 16826528, 19264732).

Literature cited by the submitters: PubMed 16199547; PubMed 16826528; PubMed 19264732.

NM_024757.5(EHMT1):c.1170+2T>C

Gene: EHMT1 (euchromatic histone lysine methyltransferase 1; plus strand). Cytogenetic location: 9q34.3.
Variant type: single nucleotide variant.
Coding change: c.1170+2T>C on transcript NM_024757.5 (MANE Select); the canonical splice donor site of the intron after coding-DNA position 1170, T replaced by C.
Molecular consequence: splice donor variant.
Genome position (GRCh38, 1-based): chr9:137,744,092, T>C. VCF-style: chr9-137744092-T-C. GRCh37 (hg19) VCF-style: chr9-140638544-T-C.
Other names: c.1149+2T>C (NM_001354263.2); c.1077+2T>C (NM_001354259.2, NM_001354612.2); c.1170+2T>C (NM_001145527.2, NM_001354611.2).
Identifiers: ClinVar variation 2196151 (VCV002196151.4), dbSNP rs761775030, ClinGen allele CA5374515.
Genomic context (GRCh38, chr9:137,744,092, plus strand): 5'-CCACAGAGGACAGCAGGACTTCCAAGGAGAGCATGTCGGAGGCTGATCGCGCCCAGAAGG[T>C]ATGTGTTGCTGTCTTGGGTGACAGCACAAGGAAAGAGCATCACAAAGTTGGCCGTGGTTC-3'